The following is an entry in ClinVar:

ClinVar aggregate classification (germline): Uncertain significance (1 of 4 stars; one submission).

Conditions:
TTC21B-related disorder. Also called: TTC21B-related disorders; TTC21B-related condition.

gnomAD v4.1: 7 of 1,612,136 alleles (0.00043%); highest among the groups gnomAD compares: Admixed American, 0.0083%; no homozygotes.

Submission:

PreventionGenetics, part of Exact Sciences
Classification: Uncertain significance for TTC21B-related condition. Last evaluated: 2025-03-20. Review status: criteria provided, single submitter. Criteria: ACMG Guidelines, 2015. Collection method: clinical testing. Allele origin: germline.
Comment: The TTC21B c.2482A>G variant is predicted to result in the amino acid substitution p.Met828Val. To our knowledge, this variant has not been reported in the literature. This variant is reported in 0.00088% of alleles in individuals of European (Non-Finnish) descent in gnomAD. At this time, the clinical significance of this variant is uncertain due to the absence of conclusive functional and genetic evidence.

NM_024753.5(TTC21B):c.2482A>G (p.Met828Val)

Gene: TTC21B (tetratricopeptide repeat domain 21B; minus strand). Cytogenetic location: 2q24.3.
Variant type: single nucleotide variant.
Coding change: c.2482A>G on transcript NM_024753.5 (MANE Select); coding-DNA position 2482, A replaced by G.
Protein change: p.Met828Val; replaces methionine 828 with valine.
Molecular consequence: missense variant.
Genome position (GRCh38, 1-based): chr2:165,907,764, T>C on the plus strand (A>G on the coding strand, the complement: TTC21B is on the minus strand). VCF-style: chr2-165907764-T-C. GRCh37 (hg19) VCF-style: chr2-166764274-T-C.
Other names: short protein forms M828V.
Identifiers: ClinVar variation 4990042 (VCV004990042.1).